The following is an entry in ClinVar:

ClinVar aggregate classification (germline): Uncertain significance. Review status: criteria provided, multiple submitters, no conflicts (2 of 4 stars). 2 submissions from 2 submitters: Uncertain significance (2). Last evaluated 2022-12-13.

Conditions:
Hereditary cancer-predisposing syndrome. Also called: Tumor predisposition; Hereditary Cancer Syndrome; Neoplastic Syndromes, Hereditary; Hereditary neoplastic syndrome. Identifiers: Orphanet 140162, MedGen C0027672, MeSH D009386, MONDO:0015356.

Submissions (2):

Quest Diagnostics Nichols Institute San Juan Capistrano
Classification: Uncertain significance. Last evaluated: 2022-12-13. Review status: criteria provided, single submitter. Criteria: Quest Diagnostics criteria. Collection method: clinical testing. Allele origin: unknown.
Comment: The variant has not been reported in the published literature. It also has not been reported in large, multi-ethnic general populations. Analysis of this variant using bioinformatics tools for the prediction of the effect of amino acid changes on protein structure and function yielded predictions that this variant is benign. Based on the available information, we are unable to determine the clinical significance of this variant.

Ambry Genetics
Classification: Uncertain significance for Hereditary cancer-predisposing syndrome. Last evaluated: 2019-04-25. Review status: criteria provided, single submitter. Criteria: Ambry Variant Classification Scheme 2023. Collection method: clinical testing. Allele origin: germline.
Comment: The p.I3418T variant (also known as c.10253T>C), located in coding exon 26 of the BRCA2 gene, results from a T to C substitution at nucleotide position 10253. The isoleucine at codon 3418 is replaced by threonine, an amino acid with similar properties. This amino acid position is not well conserved in available vertebrate species. In addition, this alteration is predicted to be tolerated by in silico analysis. Since supporting evidence is limited at this time, the clinical significance of this alteration remains unclear.

NM_000059.4(BRCA2):c.10253T>C (p.Ile3418Thr)

Gene: BRCA2 (BRCA2 DNA repair associated; plus strand). Cytogenetic location: 13q13.1.
Variant type: single nucleotide variant.
Coding change: c.10253T>C on transcript NM_000059.4 (MANE Select); coding-DNA position 10253, T replaced by C.
Protein change: p.Ile3418Thr; replaces isoleucine 3418 with threonine.
Molecular consequence: missense variant.
Genome position (GRCh38, 1-based): chr13:32,398,766, T>C. VCF-style: chr13-32398766-T-C. GRCh37 (hg19) VCF-style: chr13-32972903-T-C.
Other names: short protein forms I3418T.
Identifiers: ClinVar variation 822035 (VCV000822035.5), dbSNP rs778034661, ClinGen allele CA387768712.